The following is an entry in ClinVar:

ClinVar aggregate classification (germline): Uncertain significance (1 of 4 stars; one submission).

gnomAD v4.1: 1 of 1,613,974 alleles (0.000062%); highest among the groups gnomAD compares: Non-Finnish European, 0.000085%; no homozygotes.

Submission:

Ambry Genetics
Classification: Uncertain significance. Last evaluated: 2025-03-27. Review status: criteria provided, single submitter. Criteria: Ambry Variant Classification Scheme 2023. Collection method: clinical testing. Allele origin: germline.
Comment: The p.I252L variant (also known as c.754A>C), located in coding exon 1 of the TET2 gene, results from an A to C substitution at nucleotide position 754. The isoleucine at codon 252 is replaced by leucine, an amino acid with highly similar properties. This amino acid position is conserved. In addition, this alteration is predicted to be tolerated by in silico analysis. Based on the available evidence, the clinical significance of this variant remains unclear.

NM_001127208.3(TET2):c.754A>C (p.Ile252Leu)

Genes: TET2 (tet methylcytosine dioxygenase 2; plus strand), TET2-AS1 (TET2 antisense RNA 1; minus strand). Cytogenetic location: 4q24.
Variant type: single nucleotide variant.
Coding change: c.754A>C on transcript NM_001127208.3 (MANE Select); coding-DNA position 754, A replaced by C.
Protein change: p.Ile252Leu; replaces isoleucine 252 with leucine.
Molecular consequence: missense variant.
Genome position (GRCh38, 1-based): chr4:105,234,696, A>C. VCF-style: chr4-105234696-A-C. GRCh37 (hg19) VCF-style: chr4-106155853-A-C.
Other names: c.754A>C, p.Ile252Leu (NM_017628.4); short protein forms I252L.
Identifiers: ClinVar variation 3967492 (VCV003967492.1).